The following is an entry in ClinVar:

ClinVar aggregate classification (germline): Uncertain significance (1 of 4 stars; one submission).

Conditions:
Hereditary cancer-predisposing syndrome. Also called: Neoplastic Syndromes, Hereditary; Tumor predisposition; Hereditary Cancer Syndrome; Hereditary neoplastic syndrome. Identifiers: Orphanet 140162, MedGen C0027672, MeSH D009386, MONDO:0015356.

Allele frequency attached by ClinVar (database versions not stated): gnomAD exomes 0.00001.
gnomAD v4.1: 3 of 1,614,106 alleles (0.00019%); highest among the groups gnomAD compares: South Asian, 0.0033%; no homozygotes.

Submission:

Ambry Genetics
Classification: Uncertain significance for Hereditary cancer-predisposing syndrome. Last evaluated: 2024-04-25. Review status: criteria provided, single submitter. Criteria: Ambry Variant Classification Scheme 2023. Collection method: clinical testing. Allele origin: germline.
Comment: The p.L2688V variant (also known as c.8062C>G), located in coding exon 17 of the BRCA2 gene, results from a C to G substitution at nucleotide position 8062. The leucine at codon 2688 is replaced by valine, an amino acid with highly similar properties. This amino acid position is highly conserved in available vertebrate species. In addition, this alteration is predicted to be deleterious by in silico analysis. Based on the available evidence, the clinical significance of this variant remains unclear.

NM_000059.4(BRCA2):c.8062C>G (p.Leu2688Val)

Gene: BRCA2 (BRCA2 DNA repair associated; plus strand). Cytogenetic location: 13q13.1.
Variant type: single nucleotide variant.
Coding change: c.8062C>G on transcript NM_000059.4 (MANE Select); coding-DNA position 8062, C replaced by G.
Protein change: p.Leu2688Val; replaces leucine 2688 with valine.
Molecular consequence: missense variant.
Genome position (GRCh38, 1-based): chr13:32,363,264, C>G. VCF-style: chr13-32363264-C-G. GRCh37 (hg19) VCF-style: chr13-32937401-C-G.
Other names: c.7966C>G, p.Leu2656Val (NM_001406719.1); c.8062C>G, p.Leu2688Val (NM_001406720.1); c.3130C>G, p.Leu1044Val (NM_001406721.1); c.1645C>G, p.Leu549Val (NM_001406722.1); short protein forms L2656V, L549V, L1044V, L2688V.
Identifiers: ClinVar variation 1761850 (VCV001761850.3), dbSNP rs2137580393, ClinGen allele CA387749115.
Genomic context (GRCh38, chr13:32,363,264, plus strand): 5'-AGAAGATCGGCTATAAAAAAGATAATGGAAAGGGATGACACAGCTGCAAAAACACTTGTT[C>G]TCTGTGTTTCTGACATAATTTCATTGAGCGCAAATATATCTGAAACTTCTAGCAATAAAA-3'
Protein context (NP_000050.3, residues 2678-2698): RDDTAAKTLV[Leu2688Val]CVSDIISLSA